The following is an entry in ClinVar:

NM_004606.5(TAF1):c.523T>A (p.Ser175Thr)

Gene: TAF1 (TATA-box binding protein associated factor 1; plus strand). Cytogenetic location: Xq13.1.
Variant type: single nucleotide variant.
Coding change: c.523T>A on transcript NM_004606.5 (MANE Select); coding-DNA position 523, T replaced by A.
Protein change: p.Ser175Thr; replaces serine 175 with threonine.
Molecular consequence: missense variant. On other transcripts: non-coding transcript variant (9), intron variant (1).
Genome position (GRCh38, 1-based): chrX:71,377,000, T>A. VCF-style: chrX-71377000-T-A. GRCh37 (hg19) VCF-style: chrX-70596850-T-A.
Other names: c.523T>A, p.Ser175Thr (NM_001286074.2); c.473-13T>A (NM_138923.4); short protein forms S175T.
Identifiers: ClinVar variation 2574395 (VCV002574395.1), dbSNP rs1234377651, ClinGen allele CA413505898.

ClinVar aggregate classification (germline): Uncertain significance (1 of 4 stars; one submission).

Allele frequency attached by ClinVar (database versions not stated): gnomAD exomes below 0.00001.
gnomAD v4.1: 1 of 1,211,757 alleles (0.000083%); highest among the groups gnomAD compares: Non-Finnish European, 0.00011%; no homozygotes.

Submission:

GeneDx
Classification: Uncertain significance. Last evaluated: 2023-07-26. Review status: criteria provided, single submitter. Criteria: GeneDx Variant Classification Process June 2021. Collection method: clinical testing. Allele origin: germline. Affected: yes.
Comment: Not observed at significant frequency in large population cohorts (gnomAD); In silico analysis supports that this variant does not alter protein structure/function; Has not been previously published as pathogenic or benign to our knowledge